The following is an entry in ClinVar:

NM_024753.5(TTC21B):c.173G>A (p.Arg58Gln)

Gene: TTC21B (tetratricopeptide repeat domain 21B; minus strand). Cytogenetic location: 2q24.3.
Variant type: single nucleotide variant.
Coding change: c.173G>A on transcript NM_024753.5 (MANE Select); coding-DNA position 173, G replaced by A.
Protein change: p.Arg58Gln; replaces arginine 58 with glutamine.
Molecular consequence: missense variant.
Genome position (GRCh38, 1-based): chr2:165,949,483, C>T on the plus strand (G>A on the coding strand, the complement: TTC21B is on the minus strand). VCF-style: chr2-165949483-C-T. GRCh37 (hg19) VCF-style: chr2-166805993-C-T.
Other names: c.173G>A (NM_024753.3); short protein forms R58Q.
Identifiers: ClinVar variation 1254517 (VCV001254517.12), dbSNP rs376163622, ClinGen allele CA1942527.

ClinVar aggregate classification (germline): Conflicting classifications of pathogenicity. Review status: criteria provided, conflicting classifications (1 of 4 stars). 5 submissions from 5 submitters: Uncertain significance (4); Likely benign (1). Last evaluated 2026-08-11.

Conditions:
TTC21B-related disorder. Also called: TTC21B-related condition; TTC21B-related disorders.
Inborn genetic diseases. Identifiers: MedGen C0950123, MeSH D030342.
Jeune thoracic dystrophy. Also called: Jeune syndrome; Infantile thoracic dystrophy; Thoracic pelvic phalangeal dystrophy; Jeune's syndrome; Chondroectodermal dysplasia-like syndrome; Short-rib thoracic dysplasia. Identifiers: Orphanet 474, MedGen C0265275, MONDO:0018770.
Nephronophthisis. Also called: Juvenile Nephronophthisis. Identifiers: Orphanet 655, MedGen C0687120, MONDO:0019005, HP:0000090.
Asphyxiating thoracic dystrophy 4 (SRTD4). Also called: SHORT-RIB THORACIC DYSPLASIA 4 WITH OR WITHOUT POLYDACTYLY; SHORT-RIB THORACIC DYSPLASIA 4. Identifiers: Orphanet 474, MedGen C3151185, MONDO:0013441, OMIM 613819.
Nephronophthisis 12 (NPHP12). Identifiers: Orphanet 655, MedGen C3151186, MONDO:0013442, OMIM 613820.

Allele frequency attached by ClinVar (database versions not stated): gnomAD 0.00015 and 0.00013; 1000 Genomes Project 30x 0.00031; 1000 Genomes Project 0.00040; gnomAD exomes 0.00001; ExAC 0.00002; ESP Exome Variant Server 0.00008; TOPMed 0.00010.
gnomAD v4.1: 38 of 1,613,732 alleles (0.0024%); highest among the groups gnomAD compares: African/African-American, 0.037%; no homozygotes.

Submissions (5):

PreventionGenetics, part of Exact Sciences
Classification: Uncertain significance for TTC21B-related condition. Last evaluated: 2026-08-11. Review status: criteria provided, single submitter. Criteria: ACMG Guidelines, 2015. Collection method: clinical testing. Allele origin: germline.
Comment: The TTC21B c.173G>A variant is predicted to result in the amino acid substitution p.Arg58Gln. To our knowledge, this variant has not been reported in the literature. This variant is reported in 0.040% of alleles in individuals of African descent in gnomAD. At this time, the clinical significance of this variant is uncertain due to the absence of conclusive functional and genetic evidence.

Labcorp Genetics (formerly Invitae), Labcorp
Classification: Likely benign for Jeune thoracic dystrophy; Nephronophthisis. Last evaluated: 2025-12-22. Review status: criteria provided, single submitter. Criteria: Invitae Variant Classification Sherloc (09022015). Collection method: clinical testing. Allele origin: germline.

Ambry Genetics
Classification: Uncertain significance for Inborn genetic diseases. Last evaluated: 2025-08-08. Review status: criteria provided, single submitter. Criteria: Ambry Variant Classification Scheme 2023. Collection method: clinical testing. Allele origin: germline.

Fulgent Genetics
Classification: Uncertain significance for Asphyxiating thoracic dystrophy 4; Nephronophthisis 12. Last evaluated: 2024-04-11. Review status: criteria provided, single submitter. Criteria: ACMG Guidelines, 2015. Collection method: clinical testing. Allele origin: germline.

GeneDx
Classification: Uncertain significance. Last evaluated: 2021-07-23. Review status: criteria provided, single submitter. Criteria: GeneDx Variant Classification Process June 2021. Collection method: clinical testing. Allele origin: germline. Affected: yes.
Comment: In silico analysis supports that this missense variant does not alter protein structure/function; Has not been previously published as pathogenic or benign to our knowledge